The following is an entry in ClinVar:

NM_006302.3(MOGS):c.1961A>T (p.Asp654Val)

Gene: MOGS (mannosyl-oligosaccharide glucosidase; minus strand). Cytogenetic location: 2p13.1.
Variant type: single nucleotide variant.
Coding change: c.1961A>T on transcript NM_006302.3 (MANE Select); coding-DNA position 1961, A replaced by T.
Protein change: p.Asp654Val; replaces aspartic acid 654 with valine.
Molecular consequence: missense variant.
Genome position (GRCh38, 1-based): chr2:74,461,828, T>A on the plus strand (A>T on the coding strand, the complement: MOGS is on the minus strand). VCF-style: chr2-74461828-T-A. GRCh37 (hg19) VCF-style: chr2-74688955-T-A.
Other names: c.1961A>T, p.Asp654Val (LRG_1226t1); c.1643A>T, p.Asp548Val (NM_001146158.2); short protein forms D548V, D654V.
Identifiers: ClinVar variation 643258 (VCV000643258.8), dbSNP rs1572919705, ClinGen allele CA347369067.
Genomic context (GRCh38, chr2:74,461,828, plus strand): 5'-CGAACGAGCCCCTGAGGGGGCCTGGGCTTCAGCTGTACTGCTTTTGTGTGGTTCCCAAAG[T>A]CTGCAAAGACTCCTAGCTCTGGGGCCCAGTGCAGCTCATCCAGGCTCTCTGCTGCCTCCA-3'
Protein context (NP_006293.2, residues 644-664): HWAPELGVFA[Asp654Val]FGNHTKAVQL

ClinVar aggregate classification (germline): Uncertain significance (1 of 4 stars; one submission).

Conditions:
MOGS-congenital disorder of glycosylation. Also called: CDG IIb; GLUCOSIDASE I DEFICIENCY; CDG 2B; MOGS-CDG. Identifiers: Orphanet 79330, MedGen C1853736, MONDO:0011629, OMIM 606056.

Submission:

Labcorp Genetics (formerly Invitae), Labcorp
Classification: Uncertain significance for MOGS-congenital disorder of glycosylation. Last evaluated: 2020-01-28. Review status: criteria provided, single submitter. Criteria: Invitae Variant Classification Sherloc (09022015). Collection method: clinical testing. Allele origin: germline.
Comment: In summary, the available evidence is currently insufficient to determine the role of this variant in disease. Therefore, it has been classified as a Variant of Uncertain Significance. Algorithms developed to predict the effect of missense changes on protein structure and function (SIFT, PolyPhen-2, Align-GVGD) all suggest that this variant is likely to be disruptive, but these predictions have not been confirmed by published functional studies and their clinical significance is uncertain. This variant has not been reported in the literature in individuals with MOGS-related disease. This variant is not present in population databases (ExAC no frequency). This sequence change replaces aspartic acid with valine at codon 654 of the MOGS protein (p.Asp654Val). The aspartic acid residue is highly conserved and there is a large physicochemical difference between aspartic acid and valine.